The following is an entry in ClinVar:

ClinVar aggregate classification (germline): Uncertain significance. Review status: criteria provided, multiple submitters, no conflicts (2 of 4 stars). 3 submissions from 3 submitters: Uncertain significance (3). Last evaluated 2024-08-12.

Conditions:
Meckel syndrome, type 11 (MKS11). Identifiers: Orphanet 564, MedGen C3809352, MONDO:0014164, OMIM 615397.
Joubert syndrome 20 (JBTS20). Identifiers: Orphanet 475, MedGen C3554235, MONDO:0013994, OMIM 614970.
Inborn genetic diseases. Identifiers: MedGen C0950123, MeSH D030342.

Allele frequency attached by ClinVar (database versions not stated): ExAC 0.00001; gnomAD exomes 0.00002.

Submissions (3):

GeneDx
Classification: Uncertain significance. Last evaluated: 2024-08-12. Review status: criteria provided, single submitter. Criteria: GeneDx Variant Classification Process June 2021. Collection method: clinical testing. Allele origin: germline. Affected: yes.
Comment: Not observed at significant frequency in large population cohorts (gnomAD); In silico analysis indicates that this missense variant does not alter protein structure/function; Has not been previously published as pathogenic or benign to our knowledge

Ambry Genetics
Classification: Uncertain significance for Inborn genetic diseases. Last evaluated: 2023-11-21. Review status: criteria provided, single submitter. Criteria: Ambry Variant Classification Scheme 2023. Collection method: clinical testing. Allele origin: germline.

Labcorp Genetics (formerly Invitae), Labcorp
Classification: Uncertain significance for Joubert syndrome 20; Meckel syndrome, type 11. Last evaluated: 2021-10-10. Review status: criteria provided, single submitter. Criteria: Invitae Variant Classification Sherloc (09022015). Collection method: clinical testing. Allele origin: germline.
Comment: In summary, the available evidence is currently insufficient to determine the role of this variant in disease. Therefore, it has been classified as a Variant of Uncertain Significance. Algorithms developed to predict the effect of missense changes on protein structure and function are either unavailable or do not agree on the potential impact of this missense change (SIFT: "Tolerated"; PolyPhen-2: "Not Available"; Align-GVGD: "Class C0"). This variant has not been reported in the literature in individuals affected with TMEM231-related conditions. The frequency data for this variant in the population databases is considered unreliable, as metrics indicate poor data quality at this position in the ExAC database. This sequence change replaces serine with threonine at codon 208 of the TMEM231 protein (p.Ser208Thr). The serine residue is highly conserved and there is a small physicochemical difference between serine and threonine.

NM_001077418.3(TMEM231):c.464G>C (p.Ser155Thr)

Gene: TMEM231 (transmembrane protein 231; minus strand). Cytogenetic location: 16q23.1.
Variant type: single nucleotide variant.
Coding change: c.464G>C on transcript NM_001077418.3 (MANE Select); coding-DNA position 464, G replaced by C.
Protein change: p.Ser155Thr; replaces serine 155 with threonine.
Molecular consequence: missense variant. On other transcripts: non-coding transcript variant (1).
Genome position (GRCh38, 1-based): chr16:75,545,470, C>G on the plus strand (G>C on the coding strand, the complement: TMEM231 is on the minus strand). VCF-style: chr16-75545470-C-G. GRCh37 (hg19) VCF-style: chr16-75579368-C-G.
Other names: c.623G>C, p.Ser208Thr (NM_001077416.2); c.551G>C (NM_001077416.1); short protein forms S155T, S208T.
Identifiers: ClinVar variation 1417545 (VCV001417545.6), dbSNP rs768932063, ClinGen allele CA8176182.